The following is an entry in ClinVar:

NM_001814.6(CTSC):c.877C>T (p.Gln293Ter)

Gene: CTSC (cathepsin C; minus strand). Cytogenetic location: 11q14.2.
Variant type: single nucleotide variant.
Coding change: c.877C>T on transcript NM_001814.6 (MANE Select); coding-DNA position 877, C replaced by T.
Protein change: p.Gln293Ter; replaces glutamine 293 with a stop codon.
Molecular consequence: nonsense.
Genome position (GRCh38, 1-based): chr11:88,296,145, G>A on the plus strand (C>T on the coding strand, the complement: CTSC is on the minus strand). VCF-style: chr11-88296145-G-A. GRCh37 (hg19) VCF-style: chr11-88029313-G-A.
Other names: short protein forms Q293*.
Identifiers: ClinVar variation 2944450 (VCV002944450.3), dbSNP rs2496532700, ClinGen allele CA382022383.

ClinVar aggregate classification (germline): Pathogenic (1 of 4 stars; one submission).

Conditions:
Periodontitis, aggressive. Identifiers: MedGen C0031106, MONDO:0980757.
Papillon-Lefèvre syndrome (PALS). Also called: KERATOSIS PALMOPLANTARIS WITH PERIODONTOPATHIA; Papillon-Lefevre Disease. Identifiers: Orphanet 678, MedGen C0030360, MONDO:0009490, OMIM 245000.
Haim-Munk syndrome (HMS). Also called: COCHIN JEWISH DISORDER; KERATOSIS PALMOPLANTARIS WITH PERIODONTOPATHIA AND ONYCHOGRYPOSIS. Identifiers: Orphanet 2342, MedGen C1855627, MONDO:0009491, OMIM 245010.

Allele frequency attached by ClinVar (database versions not stated): gnomAD exomes below 0.00001.
gnomAD v4.1: 3 of 1,613,866 alleles (0.00019%); highest among the groups gnomAD compares: Non-Finnish European, 0.00025%; no homozygotes.

Submission:

Labcorp Genetics (formerly Invitae), Labcorp
Classification: Pathogenic for Haim-Munk syndrome; Periodontitis, aggressive; Papillon-Lefèvre syndrome. Last evaluated: 2023-02-18. Review status: criteria provided, single submitter. Criteria: Invitae Variant Classification Sherloc (09022015). Collection method: clinical testing. Allele origin: germline.
Comment: This sequence change creates a premature translational stop signal (p.Gln293*) in the CTSC gene. While this is not anticipated to result in nonsense mediated decay, it is expected to disrupt the last 171 amino acid(s) of the CTSC protein. For these reasons, this variant has been classified as Pathogenic. This variant disrupts a region of the CTSC protein in which other variant(s) (p.Trp429*) have been determined to be pathogenic (PMID: 11886537, 12112662, 29410039). This suggests that this is a clinically significant region of the protein, and that variants that disrupt it are likely to be disease-causing. Algorithms developed to predict the effect of sequence changes on RNA splicing suggest that this variant may disrupt the consensus splice site. This variant has not been reported in the literature in individuals affected with CTSC-related conditions. This variant is not present in population databases (gnomAD no frequency).

Literature cited by the submitters: PubMed 11886537; PubMed 12112662; PubMed 29410039.